The following is an entry in ClinVar:

NM_004684.6(SPARCL1):c.1025ATG[2] (p.Asp344del)

Gene: SPARCL1 (SPARC like 1; minus strand). Cytogenetic location: 4q22.1.
Variant type: Microsatellite.
Coding change: c.1025ATG[2] on transcript NM_004684.6 (MANE Select); two copies in a row of the 3-base unit ATG starting at c.1025; the reference has three copies in a row; one copy, 3 bases deleted.
Protein change: p.Asp344del; deletes aspartic acid 344.
Molecular consequence: inframe deletion.
Genome position (GRCh38, 1-based): chr4:87,493,767-87,493,769, CAT deleted on the plus strand (ATG on the coding strand, the reverse complement: SPARCL1 is on the minus strand); deleting any 3 consecutive bases within chr4:87,493,767-87,493,776 gives the same sequence; the position shown is the placement nearest the transcript's 3' end. VCF-style (leftmost placement, unchanged base first): chr4-87493766-CCAT-C. GRCh37 (hg19) VCF-style: chr4-88414918-CCAT-C.
Other names: c.1025ATG[2], p.Asp344del (NM_001128310.3); c.650ATG[2], p.Asp219del (NM_001291976.2, NM_001291977.2); short protein forms D219del, D344del.
Identifiers: ClinVar variation 2636267 (VCV002636267.1), dbSNP rs2475931498, ClinGen allele CA2578139666.
Genomic context (GRCh38, chr4:87,493,766, plus strand): 5'-CTTGGGATGAAGTAGTCATCACTTGCACTGTGCCTGGGGCCATCAGTGCCGCCATCATCG[CCAT>C]CATCATCGCCATCATCATCAACTCCATGATTTCTGGGCGTGGTATTACCATCATCAGTAG-3'

ClinVar aggregate classification (germline): Uncertain significance (1 of 4 stars; one submission).

Conditions:
SPARCL1-related disorder. Also called: SPARCL1-related condition.

Submission:

PreventionGenetics, part of Exact Sciences
Classification: Uncertain significance for SPARCL1-related condition. Last evaluated: 2023-02-09. Review status: criteria provided, single submitter. Criteria: ACMG Guidelines, 2015. Collection method: clinical testing. Allele origin: germline.
Comment: The SPARCL1 c.1031_1033delATG variant is predicted to result in an in-frame deletion (p.Asp344del). To our knowledge, this variant has not been reported in the literature or in a large population database, indicating this variant is rare. Although we suspect that this variant may be pathogenic, at this time, the clinical significance of this variant is uncertain due to the absence of conclusive functional and genetic evidence.